The following is an entry in ClinVar:

NM_001114753.3(ENG):c.132_133del (p.Thr45fs)

Gene: ENG (endoglin; minus strand). Cytogenetic location: 9q34.11.
Variant type: Microsatellite.
Coding change: c.132_133del on transcript NM_001114753.3 (MANE Select); coding-DNA positions 132 to 133, 2 bases deleted (TA; older notation c.132_133delTA).
Protein change: p.Thr45fs; shifts the reading frame from threonine 45.
Molecular consequence: frameshift variant. On other transcripts: 5 prime UTR variant (1).
Genome position (GRCh38, 1-based): chr9:127,843,180-127,843,181, TA deleted on the plus strand (TA on the coding strand, the reverse complement: ENG is on the minus strand); deleting any 2 consecutive bases within chr9:127,843,180-127,843,184 gives the same sequence; the c. name uses the placement nearest the transcript's 3' end. VCF-style (leftmost placement, unchanged base first): chr9-127843179-GTA-G. GRCh37 (hg19) VCF-style: chr9-130605458-GTA-G.
Other names: c.132_133delTA (NM_001114753.2); c.129_130AT[1], p.Thr45Hisfs (NM_000118.4, NM_001114753.2, NM_001406715.1); c.-417TA[1] (NM_001278138.2); short protein forms T45fs.
Identifiers: ClinVar variation 1163505 (VCV001163505.14), dbSNP rs2131918640, ClinGen allele CA2580616310.

ClinVar aggregate classification (germline): Pathogenic. Review status: criteria provided, multiple submitters, no conflicts (2 of 4 stars). 2 submissions from 2 submitters: Pathogenic (2). Last evaluated 2024-06-18.

Conditions:
Hereditary hemorrhagic telangiectasia (HHT). Also called: Osler hemorrhagic telangiectasia syndrome; ORW DISEASE; Osler Weber Rendu syndrome; OSLER-RENDU-WEBER DISEASE. Identifiers: Orphanet 774, MedGen C0039445, MONDO:0019180. Disease mechanism: loss of function.

Submissions (2):

Labcorp Genetics (formerly Invitae), Labcorp
Classification: Pathogenic for Hereditary hemorrhagic telangiectasia. Last evaluated: 2024-06-18. Review status: criteria provided, single submitter. Criteria: Invitae Variant Classification Sherloc (09022015). Collection method: clinical testing. Allele origin: germline.
Comment: This sequence change creates a premature translational stop signal (p.Thr45Hisfs*2) in the ENG gene. It is expected to result in an absent or disrupted protein product. Loss-of-function variants in ENG are known to be pathogenic (PMID: 15879500). This variant is not present in population databases (gnomAD no frequency). This premature translational stop signal has been observed in individual(s) with hereditary hemorrhagic telangiectasia (PMID: 26176610). ClinVar contains an entry for this variant (Variation ID: 1163505). For these reasons, this variant has been classified as Pathogenic.

Mayo Clinic Laboratories, Mayo Clinic
Classification: Pathogenic. Last evaluated: 2020-08-13. Review status: criteria provided, single submitter. Criteria: ACMG Guidelines, 2015. Collection method: clinical testing. Allele origin: germline. Observed: 1 variant allele.
Comment: PVS1, PS4_Moderate, PM2

Literature cited by the submitters: PubMed 15879500 (cited by Labcorp Genetics (formerly Invitae), Labcorp); PubMed 26176610 (cited by Labcorp Genetics (formerly Invitae), Labcorp and Mayo Clinic Laboratories, Mayo Clinic).